The following is an entry in ClinVar:

ClinVar aggregate classification (germline): Conflicting classifications of pathogenicity. Review status: criteria provided, conflicting classifications (1 of 4 stars). 14 submissions from 14 submitters: Uncertain significance (5); Benign (3); Likely benign (3). 3 of the submissions do not count toward it. Last evaluated 2026-06-23.

Conditions:
Atypical hemolytic-uremic syndrome. Identifiers: Orphanet 2134, MedGen C2931788, MONDO:0016244.
CFI-related disorder. Also called: CFI-related disorders; CFI-related condition. Identifiers: MedGen CN239325.
Atypical hemolytic-uremic syndrome with I factor anomaly. Also called: HEMOLYTIC UREMIC SYNDROME, ATYPICAL, SUSCEPTIBILITY TO, 3; AHUS, SUSCEPTIBILITY TO, 3. Identifiers: Orphanet 2134, MedGen C2752039, MONDO:0013041, OMIM 612923.

Allele frequency attached by ClinVar (database versions not stated): ESP Exome Variant Server 0.00169; gnomAD 0.00193 and 0.00206; TOPMed 0.00216; 1000 Genomes Project 0.00280; 1000 Genomes Project 30x 0.00297; gnomAD exomes 0.00071; ExAC 0.00072.
gnomAD v4.1: 881 of 1,614,102 alleles (0.055%); highest among the groups gnomAD compares: Middle Eastern, 0.71%; 1 homozygote.

Submissions (14):

PreventionGenetics, part of Exact Sciences
Classification: Likely benign for CFI-related condition. Last evaluated: 2026-06-23. Review status: criteria provided, single submitter. Criteria: ACMG Guidelines, 2015. Collection method: clinical testing. Allele origin: germline.
Comment: This variant is classified as likely benign based on ACMG/AMP sequence variant interpretation guidelines (Richards et al. 2015 PMID: 25741868, with internal and published modifications).

Women's Health and Genetics/Laboratory Corporation of America, LabCorp
Classification: Likely benign. Last evaluated: 2026-04-08. Review status: criteria provided, single submitter. Criteria: LabCorp Variant Classification Summary - May 2015. Collection method: clinical testing. Allele origin: germline.
Comment: Variant summary: CFI c.1642G>C (p.Glu548Gln) results in a conservative amino acid change in the encoded protein sequence. Algorithms developed to predict the effect of missense changes on protein structure and function are either unavailable or do not agree on the potential impact of this missense change. The variant allele was found at a frequency of 0.00071 in 251290 control chromosomes, predominantly at a frequency of 0.005 within the African or African-American subpopulation in the gnomAD database. The observed variant frequency within African or African-American control individuals in the gnomAD database exceeds the estimated maximal expected allele frequency for disease-causing variants in CFI. c.1642G>C has been observed in individuals affected with atypical hemolytic-uremic syndrome without strong evidence of causality (e.g. Gleeson_2016, Brocklebank_2023). These reports do not provide unequivocal conclusions about association of the variant with CFI-related conditions. Publications reporting experimental evidence evaluating an impact on protein function showed no damaging effect of this variant compared to the wildtype (e.g. de Jong_2021, Hallam_2024). The following publications have been ascertained in the context of this evaluation (PMID: 37369098, 27268256, 38852887, 35069568). ClinVar contains an entry for this variant (Variation ID: 347147). Based on the evidence outlined above, the variant was classified as likely benign.

Labcorp Genetics (formerly Invitae), Labcorp
Classification: Likely benign. Last evaluated: 2026-01-29. Review status: criteria provided, single submitter. Criteria: Invitae Variant Classification Sherloc (09022015). Collection method: clinical testing. Allele origin: germline.

Genomenon, Inc
Classification: Benign for CFI-related disorder. Last evaluated: 2025-09-26. Review status: criteria provided, single submitter. Criteria: Genomenon Sequence Variant Interpretation Standards - Updated. Collection method: curation. Allele origin: germline. Affected: no.
Comment: CFI p.Glu548Gln (c.1642G>C) is a missense variant that changes the amino acid at residue 548 from Glutamic acid to Glutamine. This variant has been reported in the published literature (PMID:29292855;36845135;35069568;38852887;32510551). This variant is present at high allele frequency in population databases. In conclusion, we classify CFI p.Glu548Gln (c.1642G>C) as a benign variant.

Mayo Clinic Laboratories, Mayo Clinic
Classification: Uncertain significance. Last evaluated: 2025-09-03. Review status: criteria provided, single submitter. Criteria: ACMG Guidelines, 2015. Collection method: clinical testing. Allele origin: germline. Observed: 16 variant alleles.

Blueprint Genetics
Classification: Benign. Last evaluated: 2024-10-28. Review status: criteria provided, single submitter. Criteria: ACMG Guidelines, 2015. Collection method: clinical testing. Allele origin: germline.

Clinical Genomics Laboratory, Washington University in St. Louis
Classification: Uncertain significance for Atypical hemolytic-uremic syndrome with I factor anomaly. Last evaluated: 2024-06-04. Review status: criteria provided, single submitter. Criteria: ACMG Guidelines, 2015. Collection method: clinical testing. Allele origin: germline.
Comment: A CFI c.1642G>C (p.Glu548Gln) variant was identified. This variant has been reported in multiple individuals affected with complement related disorders (Chauvet S et al., PMID: 28069603; Fidalgo T al., PMID: 30046676; Osborne AJ et al., PMID: 29500241; de Jong S et al., PMID: 32510551). This variant has been reported in the ClinVar database as a variant of uncertain significance by multiple submitters (ClinVar ID: 347147). Computational predictors are uncertain as to the impact of this variant on CFI function. Due to limited information, and based on ACMG/AMP guidelines for variant interpretation (Richards S et al., PMID: 25741868), the clinical significance of this variant is uncertain at this time.

Genome Diagnostics Laboratory, The Hospital for Sick Children
Classification: Uncertain significance for Atypical hemolytic-uremic syndrome. Last evaluated: 2022-07-08. Review status: criteria provided, single submitter. Criteria: ACMG Guidelines, 2015. Collection method: clinical testing. Allele origin: germline.

Genetic Services Laboratory, University of Chicago
Classification: Uncertain significance. Last evaluated: 2021-01-04. Review status: criteria provided, single submitter. Criteria: ACMG Guidelines, 2015. Collection method: clinical testing. Allele origin: germline. Affected: no.
Comment: DNA sequence analysis of the CFI gene demonstrated a sequence change, c.1642G>C, in exon 13 that results in an amino acid change, p.Glu548Gln. This sequence change has been described in the gnomAD database with a relatively high frequency of 0.52% in the African sub-population (dbSNP rs7437875). The p.Glu548Gln change has been reported in an individual with atypical hemolytic uremic syndrome (PMID: 27268256) and an individual with thrombotic thrombocytopenic pupura; however, this individual was also compound heterozygous for two variants in the ADAMTS13 gene (PMID: 30046676). Additionally, a different amino acid change at the same location (p.Glu548Gly) has been reported in association with atypical hemolytic uremic syndrome (PMID: 27268256). The p.Glu548Gln change affects a moderately conserved amino acid residue located in a domain of the CFI protein that is known to be functional. In-silico pathogenicity prediction tools (SIFT, PolyPhen2, Align GVGD, REVEL) provide contradictory results for the p.Glu548Gln substitution. Due to these contrasting evidences and the lack of functional studies, the clinical significance of the p.Glu548Gln change remains unknown at this time.

Baylor Genetics
Classification: Uncertain significance for Atypical hemolytic-uremic syndrome with I factor anomaly. Last evaluated: 2019-12-24. Review status: criteria provided, single submitter. Criteria: ACMG Guidelines, 2015. Collection method: clinical testing. Allele origin: unknown. Affected: yes.
Comment: This variant was determined to be of uncertain significance according to ACMG Guidelines, 2015 [PMID:25741868].

Illumina Laboratory Services, Illumina
Classification: Benign for Atypical hemolytic-uremic syndrome with I factor anomaly. Last evaluated: 2018-01-13. Review status: criteria provided, single submitter. Criteria: ICSL Variant Classification Criteria 13 December 2019. Collection method: clinical testing. Allele origin: germline.
Comment: This variant was observed in the ICSL laboratory as part of a predisposition screen in an ostensibly healthy population. It had not been previously curated by ICSL or reported in the Human Gene Mutation Database (HGMD: prior to June 1st, 2018), and was therefore a candidate for classification through an automated scoring system. Utilizing variant allele frequency, disease prevalence and penetrance estimates, and inheritance mode, an automated score was calculated to assess if this variant is too frequent to cause the disease. Based on the score and internal cut-off values, a variant classified as benign is not then subjected to further curation. The score for this variant resulted in a classification of benign for this disease.

Clinical Genetics DNA and cytogenetics Diagnostics Lab, Erasmus MC, Erasmus Medical Center
Classification: Uncertain significance. Review status: no assertion criteria provided. Collection method: clinical testing. Allele origin: germline. Affected: yes. Study: VKGL Data-share Consensus. Not counted in ClinVar's aggregate classification.

Diagnostic Laboratory, Department of Genetics, University Medical Center Groningen
Classification: Uncertain significance. Review status: no assertion criteria provided. Collection method: clinical testing. Allele origin: germline. Affected: yes. Study: VKGL Data-share Consensus. Not counted in ClinVar's aggregate classification.

Joint Genome Diagnostic Labs from Nijmegen and Maastricht, Radboudumc and MUMC+
Classification: Uncertain significance. Review status: no assertion criteria provided. Collection method: clinical testing. Allele origin: germline. Affected: yes. Study: VKGL Data-share Consensus. Not counted in ClinVar's aggregate classification.

Literature cited by the submitters: PubMed 27268256 (cited by Women's Health and Genetics/Laboratory Corporation of America, LabCorp and Mayo Clinic Laboratories, Mayo Clinic); PubMed 35069568 (cited by Women's Health and Genetics/Laboratory Corporation of America, LabCorp and Mayo Clinic Laboratories, Mayo Clinic); PubMed 37369098 (cited by Women's Health and Genetics/Laboratory Corporation of America, LabCorp and Mayo Clinic Laboratories, Mayo Clinic); PubMed 38852887 (cited by Women's Health and Genetics/Laboratory Corporation of America, LabCorp); PubMed 29292855 (cited by Genomenon, Inc and Mayo Clinic Laboratories, Mayo Clinic); 36845135 (cited by Genomenon, Inc); 35069568 (cited by Genomenon, Inc); 38852887 (cited by Genomenon, Inc); 32510551 (cited by Genomenon, Inc); PubMed 29888403 (cited by Mayo Clinic Laboratories, Mayo Clinic); PubMed 30046676 (cited by Mayo Clinic Laboratories, Mayo Clinic); PubMed 30982675 (cited by Mayo Clinic Laboratories, Mayo Clinic); PubMed 32510551 (cited by Mayo Clinic Laboratories, Mayo Clinic); PubMed 35373096 (cited by Mayo Clinic Laboratories, Mayo Clinic); PubMed 36845135 (cited by Mayo Clinic Laboratories, Mayo Clinic).

NM_000204.5(CFI):c.1642G>C (p.Glu548Gln)

Gene: CFI (complement factor I; minus strand). Cytogenetic location: 4q25.
Variant type: single nucleotide variant.
Coding change: c.1642G>C on transcript NM_000204.5 (MANE Select); coding-DNA position 1642, G replaced by C.
Protein change: p.Glu548Gln; replaces glutamic acid 548 with glutamine.
Molecular consequence: missense variant. On other transcripts: non-coding transcript variant (3), intron variant (5).
Genome position (GRCh38, 1-based): chr4:109,741,003, C>G on the plus strand (G>C on the coding strand, the complement: CFI is on the minus strand). VCF-style: chr4-109741003-C-G. GRCh37 (hg19) VCF-style: chr4-110662159-C-G.
Other names: c.1666G>C, p.Glu556Gln (NM_001318057.2); c.1621G>C, p.Glu541Gln (NM_001331035.2); c.1585G>C, p.Glu529Gln (NM_001375283.1); c.1033G>C, p.Glu345Gln (NM_001375284.1); c.1513+1488G>C (NM_001375282.1, NM_001375280.1); c.1534+1488G>C (NM_001375281.1, NM_001375279.1); c.1558+1488G>C (NM_001375278.1); short protein forms E548Q, E541Q, E556Q, E345Q, E529Q.
Identifiers: ClinVar variation 347147 (VCV000347147.40), dbSNP rs7437875, ClinGen allele CA3041849.